The following is an entry in ClinVar:

NM_001283009.2(RTEL1):c.1982A>G (p.Gln661Arg)

Genes: RTEL1 (regulator of telomere elongation helicase 1; plus strand), RTEL1-TNFRSF6B (RTEL1-TNFRSF6B readthrough (NMD candidate); plus strand). Cytogenetic location: 20q13.33.
Variant type: single nucleotide variant.
Coding change: c.1982A>G on transcript NM_001283009.2 (MANE Select); coding-DNA position 1982, A replaced by G.
Protein change: p.Gln661Arg; replaces glutamine 661 with arginine.
Molecular consequence: missense variant. On other transcripts: non-coding transcript variant (1).
Genome position (GRCh38, 1-based): chr20:63,689,605, A>G. VCF-style: chr20-63689605-A-G. GRCh37 (hg19) VCF-style: chr20-62320958-A-G.
Other names: c.1313A>G, p.Gln438Arg (NM_001283010.1); c.1982A>G, p.Gln661Arg (NM_016434.4); c.2054A>G, p.Gln685Arg (NM_032957.5); short protein forms Q661R, Q685R, Q438R.
Identifiers: ClinVar variation 1425042 (VCV001425042.6), dbSNP rs758832096, ClinGen allele CA9965099.
Genomic context (GRCh38, chr20:63,689,605, plus strand): 5'-TGATTGTCACGGGCCTCCCGTACCCCCCACGCATGGACCCCCGGGTTGTCCTCAAGATGC[A>G]GTTCCTGGATGAGATGAAGGGCCAGGGTGGGGCTGGGGGCCAGGTGAGTTACAGCAGGGT-3'
Protein context (NP_001269938.1, residues 651-671): RMDPRVVLKM[Gln661Arg]FLDEMKGQGG

ClinVar aggregate classification (germline): Uncertain significance. Review status: criteria provided, multiple submitters, no conflicts (2 of 4 stars). 2 submissions from 2 submitters: Uncertain significance (2). Last evaluated 2024-12-02.

Conditions:
Dyskeratosis congenita, autosomal recessive 5 (DKCB5). Identifiers: MedGen C3554656, MONDO:0014076, OMIM 615190.
Pulmonary fibrosis and/or bone marrow failure, Telomere-related, 3. Also called: PULMONARY FIBROSIS AND/OR BONE MARROW FAILURE SYNDROME, TELOMERE-RELATED, 3. Identifiers: Orphanet 2032, MedGen C4225346, MONDO:0014613, OMIM 616373.
Inborn genetic diseases. Identifiers: MedGen C0950123, MeSH D030342.

gnomAD v4.1: 11 of 1,612,318 alleles (0.00068%); highest among the groups gnomAD compares: Non-Finnish European, 0.00093%; no homozygotes.

Submissions (2):

Ambry Genetics
Classification: Uncertain significance for Inborn genetic diseases. Last evaluated: 2024-12-02. Review status: criteria provided, single submitter. Criteria: Ambry Variant Classification Scheme 2023. Collection method: clinical testing. Allele origin: germline.
Comment: The p.Q661R variant (also known as c.1982A>G), located in coding exon 22 of the RTEL1 gene, results from an A to G substitution at nucleotide position 1982. The glutamine at codon 661 is replaced by arginine, an amino acid with highly similar properties. This amino acid position is conserved. In addition, the in silico prediction for this alteration is inconclusive. Based on the available evidence, the clinical significance of this variant remains unclear.

Labcorp Genetics (formerly Invitae), Labcorp
Classification: Uncertain significance for Dyskeratosis congenita, autosomal recessive 5; Pulmonary fibrosis and/or bone marrow failure, Telomere-related, 3. Last evaluated: 2021-09-01. Review status: criteria provided, single submitter. Criteria: Invitae Variant Classification Sherloc (09022015). Collection method: clinical testing. Allele origin: germline.
Comment: This sequence change replaces glutamine with arginine at codon 661 of the RTEL1 protein (p.Gln661Arg). The glutamine residue is moderately conserved and there is a small physicochemical difference between glutamine and arginine. This variant is present in population databases (rs758832096, ExAC 0.002%). This variant has not been reported in the literature in individuals affected with RTEL1-related conditions. Algorithms developed to predict the effect of missense changes on protein structure and function are either unavailable or do not agree on the potential impact of this missense change (SIFT: "Tolerated"; PolyPhen-2: "Probably Damaging"; Align-GVGD: "Class C0"). In summary, the available evidence is currently insufficient to determine the role of this variant in disease. Therefore, it has been classified as a Variant of Uncertain Significance.